The following is an entry in ClinVar:

ClinVar aggregate classification (germline): Pathogenic (1 of 4 stars; one submission).

Submission:

Labcorp Genetics (formerly Invitae), Labcorp
Classification: Pathogenic. Last evaluated: 2023-11-15. Review status: criteria provided, single submitter. Criteria: Invitae Variant Classification Sherloc (09022015). Collection method: clinical testing. Allele origin: germline.
Comment: This sequence change creates a premature translational stop signal (p.Tyr511*) in the MTTP gene. It is expected to result in an absent or disrupted protein product. Loss-of-function variants in MTTP are known to be pathogenic (PMID: 8533758, 9671739). This variant is not present in population databases (gnomAD no frequency). This variant has not been reported in the literature in individuals affected with MTTP-related conditions. For these reasons, this variant has been classified as Pathogenic.

Literature cited by the submitters: PubMed 8533758; PubMed 9671739.

NM_001386140.1(MTTP):c.1533T>A (p.Tyr511Ter)

Gene: MTTP (microsomal triglyceride transfer protein; plus strand). Cytogenetic location: 4q23.
Variant type: single nucleotide variant.
Coding change: c.1533T>A on transcript NM_001386140.1 (MANE Select); coding-DNA position 1533, T replaced by A.
Protein change: p.Tyr511Ter; replaces tyrosine 511 with a stop codon.
Molecular consequence: nonsense.
Genome position (GRCh38, 1-based): chr4:99,606,936, T>A. VCF-style: chr4-99606936-T-A. GRCh37 (hg19) VCF-style: chr4-100528093-T-A.
Other names: c.1533T>A, p.Tyr511Ter (NM_000253.4); c.1284T>A, p.Tyr428Ter (NM_001300785.2); short protein forms Y428*, Y511*.
Identifiers: ClinVar variation 2696160 (VCV002696160.3), dbSNP rs149385240, ClinGen allele CA357511079.